The following is an entry in ClinVar:

NM_000260.4(MYO7A):c.6194C>G (p.Pro2065Arg)

Gene: MYO7A (myosin VIIA; plus strand). Cytogenetic location: 11q13.5.
Variant type: single nucleotide variant.
Coding change: c.6194C>G on transcript NM_000260.4 (MANE Select); coding-DNA position 6194, C replaced by G.
Protein change: p.Pro2065Arg; replaces proline 2065 with arginine.
Molecular consequence: missense variant.
Genome position (GRCh38, 1-based): chr11:77,211,294, C>G. VCF-style: chr11-77211294-C-G. GRCh37 (hg19) VCF-style: chr11-76922339-C-G.
Other names: c.6080C>G, p.Pro2027Arg (NM_001127180.2); c.6047C>G, p.Pro2016Arg (NM_001369365.1); short protein forms P2016R, P2027R, P2065R.
Identifiers: ClinVar variation 4849352 (VCV004849352.1).

ClinVar aggregate classification (germline): Uncertain significance (1 of 4 stars; one submission).

Conditions:
Autosomal recessive nonsyndromic hearing loss 2. Also called: NEUROSENSORY NONSYNDROMIC RECESSIVE DEAFNESS 2; DEAFNESS, AUTOSOMAL RECESSIVE 2. Identifiers: Orphanet 90636, MedGen C1838701, MONDO:0010807, OMIM 600060.
Usher syndrome type 1 (USH1). Also called: RETINITIS PIGMENTOSA AND CONGENITAL DEAFNESS. Identifiers: Orphanet 231169, Orphanet 886, MedGen C1568247, MONDO:0010168, OMIM 276900.

Submission:

First Genomix Gene Laboratory, Genetic Diagnostics Department
Classification: Uncertain significance for Autosomal recessive nonsyndromic hearing loss 2; Usher syndrome type 1. Last evaluated: 2025-07-09. Review status: criteria provided, single submitter. Criteria: ACMG Guidelines, 2015. Collection method: clinical testing. Allele origin: germline. Inheritance: Autosomal recessive inheritance. Affected: no. Observed: 3 variant alleles, 2 heterozygotes, 1 homozygote.
Comment: This variant was identified by First Genomix in a heterozygous state in a couple whose offspring presents with congenital deafness. In addition, the couple also shared a variant of uncertain significance NM_004452.4:c.1496G>A, p.Gly499Asp in the ESRRB gene.